The following is an entry in ClinVar:

ClinVar aggregate classification (germline): Uncertain significance (1 of 4 stars; one submission).

Conditions:
Primary ciliary dyskinesia. Also called: Ciliary dyskinesia. Identifiers: Orphanet 244, MedGen C0008780, MONDO:0016575, HP:0012265.

Submission:

Labcorp Genetics (formerly Invitae), Labcorp
Classification: Uncertain significance for Primary ciliary dyskinesia. Last evaluated: 2022-11-10. Review status: criteria provided, single submitter. Criteria: Invitae Variant Classification Sherloc (09022015). Collection method: clinical testing. Allele origin: germline.
Comment: This sequence change falls in intron 91 of the DNAH8 gene. It does not directly change the encoded amino acid sequence of the DNAH8 protein. This variant is present in population databases (rs754811596, gnomAD 0.01%). This variant has not been reported in the literature in individuals affected with DNAH8-related conditions. Experimental studies and prediction algorithms are not available or were not evaluated, and the effect of this variant on mRNA splicing is currently unknown. In summary, the available evidence is currently insufficient to determine the role of this variant in disease. Therefore, it has been classified as a Variant of Uncertain Significance.

NM_001206927.2(DNAH8):c.13715-2dup

Gene: DNAH8 (dynein axonemal heavy chain 8; plus strand). Cytogenetic location: 6p21.2.
Variant type: Duplication.
Coding change: c.13715-2dup on transcript NM_001206927.2 (MANE Select); the canonical splice acceptor site of the intron before coding-DNA position 13715, one base duplicated (A; older notation c.13715-2dupA).
Molecular consequence: splice acceptor variant.
Genome position (GRCh38, 1-based): chr6:39,026,544, A duplicated; the last of 2 consecutive A bases (chr6:39,026,543-39,026,544); duplicating either gives the same sequence. VCF-style (leftmost placement, unchanged base first): chr6-39026542-T-TA. GRCh37 (hg19) VCF-style: chr6-38994318-T-TA.
Other names: c.13064-2dup (NM_001371.4).
Identifiers: ClinVar variation 2891955 (VCV002891955.3), dbSNP rs754811596, ClinGen allele CA3791748.